The following is an entry in ClinVar:

ClinVar aggregate classification (germline): Conflicting classifications of pathogenicity. Review status: criteria provided, conflicting classifications (1 of 4 stars). 2 submissions from 2 submitters: Uncertain significance (1); Likely benign (1). Last evaluated 2022-05-28.

Conditions:
Early-infantile DEE. Also called: Early infantile epileptic encephalopathy; Ohtahara syndrome; Early infantile epileptic encephalopathy with suppression bursts. Identifiers: Orphanet 1934, MedGen C0393706, MONDO:0800491.
Inborn genetic diseases. Identifiers: MedGen C0950123, MeSH D030342.

Allele frequency attached by ClinVar (database versions not stated): ExAC 0.00001.
gnomAD v4.1: 9 of 1,602,578 alleles (0.00056%); highest among the groups gnomAD compares: Admixed American, 0.0034%; no homozygotes.

Submissions (2):

Labcorp Genetics (formerly Invitae), Labcorp
Classification: Uncertain significance for Early-infantile DEE. Last evaluated: 2022-05-28. Review status: criteria provided, single submitter. Criteria: Invitae Variant Classification Sherloc (09022015). Collection method: clinical testing. Allele origin: germline.
Comment: This variant is present in population databases (rs770284737, gnomAD 0.003%). This variant has not been reported in the literature in individuals affected with SCN8A-related conditions. Algorithms developed to predict the effect of sequence changes on RNA splicing suggest that this variant may create or strengthen a splice site. In summary, the available evidence is currently insufficient to determine the role of this variant in disease. Therefore, it has been classified as a Variant of Uncertain Significance. This sequence change affects codon 1474 of the SCN8A mRNA. It is a 'silent' change, meaning that it does not change the encoded amino acid sequence of the SCN8A protein.

Ambry Genetics
Classification: Likely benign for Inborn genetic diseases. Last evaluated: 2017-12-14. Review status: criteria provided, single submitter. Criteria: Ambry Variant Classification Scheme 2023. Collection method: clinical testing. Allele origin: germline.

NM_001330260.2(SCN8A):c.4422C>T (p.Phe1474=)

Gene: SCN8A (sodium voltage-gated channel alpha subunit 8; plus strand). Cytogenetic location: 12q13.13.
Variant type: single nucleotide variant.
Coding change: c.4422C>T on transcript NM_001330260.2 (MANE Select); coding-DNA position 4422, C replaced by T.
Protein change: p.Phe1474=; no amino-acid change (phenylalanine 1474 retained).
Molecular consequence: synonymous variant.
Genome position (GRCh38, 1-based): chr12:51,790,400, C>T. VCF-style: chr12-51790400-C-T. GRCh37 (hg19) VCF-style: chr12-52184184-C-T.
Other names: c.4299C>T, p.Phe1433= (NM_001177984.3, NM_001369788.1); c.4422C>T, p.Phe1474= (NM_014191.4).
Identifiers: ClinVar variation 1740491 (VCV001740491.7), dbSNP rs770284737, ClinGen allele CA6571817.